The following is an entry in ClinVar:

ClinVar aggregate classification (germline): Uncertain significance (1 of 4 stars; one submission).

Conditions:
Intellectual developmental disorder, autosomal dominant 1. Also called: Intellectual disability, autosomal dominant 1; MBD5 Haploinsufficiency. Identifiers: Orphanet 228402, MedGen C1969562, MONDO:0007974, OMIM 156200.

Submission:

Labcorp Genetics (formerly Invitae), Labcorp
Classification: Uncertain significance for Intellectual developmental disorder, autosomal dominant 1. Last evaluated: 2024-05-14. Review status: criteria provided, single submitter. Criteria: Invitae Variant Classification Sherloc (09022015). Collection method: clinical testing. Allele origin: germline.
Comment: This sequence change replaces serine, which is neutral and polar, with arginine, which is basic and polar, at codon 1141 of the MBD5 protein (p.Ser1141Arg). This variant is not present in population databases (gnomAD no frequency). This variant has not been reported in the literature in individuals affected with MBD5-related conditions. ClinVar contains an entry for this variant (Variation ID: 1937262). Experimental studies and prediction algorithms are not available or were not evaluated, and the functional significance of this variant is currently unknown. In summary, the available evidence is currently insufficient to determine the role of this variant in disease. Therefore, it has been classified as a Variant of Uncertain Significance.

NM_001378120.1(MBD5):c.4122T>A (p.Ser1374Arg)

Gene: MBD5 (methyl-CpG binding domain protein 5; plus strand). Cytogenetic location: 2q23.1.
Variant type: single nucleotide variant.
Coding change: c.4122T>A on transcript NM_001378120.1 (MANE Select); coding-DNA position 4122, T replaced by A.
Protein change: p.Ser1374Arg; replaces serine 1374 with arginine.
Molecular consequence: missense variant.
Genome position (GRCh38, 1-based): chr2:148,489,754, T>A. VCF-style: chr2-148489754-T-A. GRCh37 (hg19) VCF-style: chr2-149247323-T-A.
Other names: c.3423T>A, p.Ser1141Arg (NM_018328.5); short protein forms S1141R, S1374R.
Identifiers: ClinVar variation 1937262 (VCV001937262.5), dbSNP rs2105126495, ClinGen allele CA348728069.